The following is an entry in ClinVar:

ClinVar aggregate classification (germline): Likely benign. Review status: criteria provided, multiple submitters, no conflicts (2 of 4 stars). 4 submissions from 4 submitters: Likely benign (4). Last evaluated 2025-09-28.

Conditions:
Cardiomyopathy (CMYO). Also called: Cardiomyopathies. Identifiers: Orphanet 167848, MedGen C0878544, MONDO:0004994, HP:0001638. Inheritance: Various modes of inheritance.
Hypertrophic cardiomyopathy. Also called: HYPERTROPHIC MYOCARDIOPATHY. Identifiers: Orphanet 217569, MedGen C0007194, MeSH D002312, MONDO:0005045, HP:0001639.

Allele frequency attached by ClinVar (database versions not stated): ExAC 0.00001; TOPMed 0.00002; gnomAD exomes 0.00004; gnomAD 0.00006.
gnomAD v4.1: 18 of 1,614,144 alleles (0.0011%); highest among the groups gnomAD compares: Admixed American, 0.015%; no homozygotes.

Submissions (4):

Labcorp Genetics (formerly Invitae), Labcorp
Classification: Likely benign for Hypertrophic cardiomyopathy. Last evaluated: 2025-09-28. Review status: criteria provided, single submitter. Criteria: Invitae Variant Classification Sherloc (09022015). Collection method: clinical testing. Allele origin: germline.

All of Us Research Program, National Institutes of Health
Classification: Likely benign for Cardiomyopathy. Last evaluated: 2024-04-25. Review status: criteria provided, single submitter. Criteria: ACMG Guidelines, 2015. Collection method: clinical testing. Allele origin: germline. Inheritance: Autosomal dominant inheritance. Observed: 3 variant alleles, 3 heterozygotes.
Comment: This study involves interpretation of variants in research participants for the purpose of population health screening. Participant phenotype was not available at the time of variant classification. Additional details can be found in publication PMID: 35346344, PMCID: PMC8962531

CHEO Genetics Diagnostic Laboratory, Children's Hospital of Eastern Ontario
Classification: Likely benign for Cardiomyopathy. Last evaluated: 2020-09-22. Review status: criteria provided, single submitter. Criteria: ACMG Guidelines, 2015. Collection method: clinical testing. Allele origin: germline.

Color Diagnostics, LLC DBA Color Health
Classification: Likely benign for Cardiomyopathy. Last evaluated: 2019-03-08. Review status: criteria provided, single submitter. Criteria: ACMG Guidelines, 2015. Collection method: clinical testing. Allele origin: germline.

NM_000257.4(MYH7):c.78G>A (p.Ala26=)

Gene: MYH7 (myosin heavy chain 7; minus strand). Cytogenetic location: 14q11.2.
Variant type: single nucleotide variant.
Coding change: c.78G>A on transcript NM_000257.4 (MANE Select); coding-DNA position 78, G replaced by A.
Protein change: p.Ala26=; no amino-acid change (alanine 26 retained).
Molecular consequence: synonymous variant.
Genome position (GRCh38, 1-based): chr14:23,433,655, C>T on the plus strand (G>A on the coding strand, the complement: MYH7 is on the minus strand). VCF-style: chr14-23433655-C-T. GRCh37 (hg19) VCF-style: chr14-23902864-C-T.
Identifiers: ClinVar variation 525098 (VCV000525098.15), dbSNP rs746119986, ClinGen allele CA049079.